The following is an entry in ClinVar:

NM_003640.5(ELP1):c.-31G>C

Gene: ELP1 (elongator acetyltransferase complex subunit 1; minus strand). Cytogenetic location: 9q31.3.
Variant type: single nucleotide variant.
Coding change: c.-31G>C on transcript NM_003640.5 (MANE Select); 31 bases upstream of the start codon, G replaced by C.
Molecular consequence: 5 prime UTR variant. On other transcripts: intron variant (1).
Genome position (GRCh38, 1-based): chr9:108,931,177, C>G on the plus strand (G>C on the coding strand, the complement: ELP1 is on the minus strand). VCF-style: chr9-108931177-C-G. GRCh37 (hg19) VCF-style: chr9-111693457-C-G.
Other names: c.-890G>C (NM_001330749.2); c.-252-121G>C (NM_001318360.2).
Identifiers: ClinVar variation 672272 (VCV000672272.2), dbSNP rs375962780, ClinGen allele CA5175495.
Genomic context (GRCh38, chr9:108,931,177, plus strand): 5'-CAGGGTCCGAAATAATTTCAGATTTCGCATGATGAAGTGATTCCCACGAGACAAGTACAA[C>G]TATCCCTTGATGAATCATTAATCTCTAAGAGAAAAATAAATAGCTTAATAGTGATAAATG-3'

ClinVar aggregate classification (germline): Likely benign. Review status: criteria provided, single submitter (1 of 4 stars). 2 submissions from 2 submitters: Likely benign (1). 1 of the submissions does not count toward it. Last evaluated 2018-06-18.

Conditions:
Familial dysautonomia. Also called: HSAN III; FD. Identifiers: Orphanet 1764, MedGen C0013364, MONDO:0009131, OMIM 223900. Disease mechanism: loss of function.

Allele frequency attached by ClinVar (database versions not stated): ExAC 0.00007; gnomAD exomes 0.00007; ESP Exome Variant Server 0.00008; TOPMed 0.00008; gnomAD 0.00009.
gnomAD v4.1: 285 of 1,605,846 alleles (0.018%); highest among the groups gnomAD compares: Non-Finnish European, 0.023%; no homozygotes.

Submissions (2):

GeneDx
Classification: Likely benign. Last evaluated: 2018-06-18. Review status: criteria provided, single submitter. Criteria: GeneDx Variant Classification (06012015). Collection method: clinical testing. Allele origin: germline. Affected: yes.
Comment: This variant is considered likely benign or benign based on one or more of the following criteria: it is a conservative change, it occurs at a poorly conserved position in the protein, it is predicted to be benign by multiple in silico algorithms, and/or has population frequency not consistent with disease.

Natera, Inc.
Classification: Uncertain significance for Familial dysautonomia. Last evaluated: 2020-06-08. Review status: no assertion criteria provided. Collection method: clinical testing. Allele origin: germline. Not counted in ClinVar's aggregate classification.